The following is an entry in ClinVar:

NM_212550.5(BLOC1S3):c.13G>A (p.Gly5Ser)

Gene: BLOC1S3 (biogenesis of lysosomal organelles complex 1 subunit 3; plus strand). Cytogenetic location: 19q13.32.
Variant type: single nucleotide variant.
Coding change: c.13G>A on transcript NM_212550.5 (MANE Select); coding-DNA position 13, G replaced by A.
Protein change: p.Gly5Ser; replaces glycine 5 with serine.
Molecular consequence: missense variant.
Genome position (GRCh38, 1-based): chr19:45,179,309, G>A. VCF-style: chr19-45179309-G-A. GRCh37 (hg19) VCF-style: chr19-45682567-G-A.
Other names: short protein forms G5S.
Identifiers: ClinVar variation 748524 (VCV000748524.10), dbSNP rs768322585, ClinGen allele CA9510192.
Genomic context (GRCh38, chr19:45,179,309, plus strand): 5'-GCCGGTCTCACGTGCAGTCCCTTCGCTCTTCTCCCCTAGTTCGGTGCCATGGCGTCCCAG[G>A]GTCGTCGGCGGAGGCCCCTGCGGAGGCCGGAGACGGTGGTGCCGGGGGAGGCGACCGAGA-3'
Protein context (NP_997715.1, residues 1-15): MASQ[Gly5Ser]RRRRPLRRPE

ClinVar aggregate classification (germline): Likely benign. Review status: criteria provided, single submitter (1 of 4 stars). 2 submissions from 2 submitters: Likely benign (1). 1 of the submissions does not count toward it. Last evaluated 2026-01-12.

Conditions:
BLOC1S3-related disorder. Also called: BLOC1S3-related condition.

Allele frequency attached by ClinVar (database versions not stated): gnomAD 0.00006; gnomAD exomes 0.00013 and 0.00031; TOPMed 0.00014; ExAC 0.00041.
gnomAD v4.1: 83 of 1,582,244 alleles (0.0052%); highest among the groups gnomAD compares: Admixed American, 0.14%; no homozygotes.

Submissions (2):

Labcorp Genetics (formerly Invitae), Labcorp
Classification: Likely benign. Last evaluated: 2026-01-12. Review status: criteria provided, single submitter. Criteria: Invitae Variant Classification Sherloc (09022015). Collection method: clinical testing. Allele origin: germline.

PreventionGenetics, part of Exact Sciences
Classification: Likely benign for BLOC1S3-related condition. Last evaluated: 2022-02-16. Review status: no assertion criteria provided. Collection method: clinical testing. Allele origin: germline. Not counted in ClinVar's aggregate classification.
Comment: This variant is classified as likely benign based on ACMG/AMP sequence variant interpretation guidelines (Richards et al. 2015 PMID: 25741868, with internal and published modifications).